The following is an entry in ClinVar:

NM_001081.4(CUBN):c.3802C>T (p.Arg1268Cys)

Gene: CUBN (cubilin; minus strand). Cytogenetic location: 10p13.
Variant type: single nucleotide variant.
Coding change: c.3802C>T on transcript NM_001081.4 (MANE Select); coding-DNA position 3802, C replaced by T.
Protein change: p.Arg1268Cys; replaces arginine 1268 with cysteine.
Molecular consequence: missense variant.
Genome position (GRCh38, 1-based): chr10:17,043,854, G>A on the plus strand (C>T on the coding strand, the complement: CUBN is on the minus strand). VCF-style: chr10-17043854-G-A. GRCh37 (hg19) VCF-style: chr10-17085853-G-A.
Other names: c.3802C>T (NM_001081.3); short protein forms R1268C.
Identifiers: ClinVar variation 1392410 (VCV001392410.6), dbSNP rs747558831, ClinGen allele CA5424567.

ClinVar aggregate classification (germline): Uncertain significance. Review status: criteria provided, multiple submitters, no conflicts (2 of 4 stars). 2 submissions from 2 submitters: Uncertain significance (2). Last evaluated 2023-05-17.

Conditions:
Inborn genetic diseases. Identifiers: MedGen C0950123, MeSH D030342.
Imerslund-Grasbeck syndrome. Also called: ENTEROCYTE COBALAMIN MALABSORPTION; ENTEROCYTE INTRINSIC FACTOR RECEPTOR, DEFECT OF; Megaloblastic anemia due to inborn errors of metabolism; Imerslund-Gräsbeck syndrome; PERNICIOUS ANEMIA, JUVENILE, DUE TO SELECTIVE INTESTINAL MALABSORPTION OF VITAMIN B12, WITH PROTEINURIA. Identifiers: Orphanet 35858, MedGen C4551825, MONDO:0009853.

Allele frequency attached by ClinVar (database versions not stated): gnomAD exomes 0.00002; gnomAD 0.00005 and 0.00006; TOPMed 0.00006.
gnomAD v4.1: 38 of 1,613,320 alleles (0.0024%); highest among the groups gnomAD compares: African/African-American, 0.015%; no homozygotes.

Submissions (2):

Ambry Genetics
Classification: Uncertain significance for Inborn genetic diseases. Last evaluated: 2023-05-17. Review status: criteria provided, single submitter. Criteria: Ambry Variant Classification Scheme 2023. Collection method: clinical testing. Allele origin: germline.

Labcorp Genetics (formerly Invitae), Labcorp
Classification: Uncertain significance for Imerslund-Grasbeck syndrome. Last evaluated: 2021-09-21. Review status: criteria provided, single submitter. Criteria: Invitae Variant Classification Sherloc (09022015). Collection method: clinical testing. Allele origin: germline.
Comment: This sequence change replaces arginine with cysteine at codon 1268 of the CUBN protein (p.Arg1268Cys). The arginine residue is weakly conserved and there is a large physicochemical difference between arginine and cysteine. This variant is present in population databases (rs747558831, ExAC 0.02%). This variant has not been reported in the literature in individuals affected with CUBN-related conditions. Algorithms developed to predict the effect of missense changes on protein structure and function are either unavailable or do not agree on the potential impact of this missense change (SIFT: "Tolerated"; PolyPhen-2: "Probably Damaging"; Align-GVGD: "Class C15"). In summary, the available evidence is currently insufficient to determine the role of this variant in disease. Therefore, it has been classified as a Variant of Uncertain Significance.